The following is an entry in ClinVar:

NM_004360.5(CDH1):c.423A>T (p.Thr141=)

Gene: CDH1 (cadherin 1; plus strand). Cytogenetic location: 16q22.1.
Variant type: single nucleotide variant.
Coding change: c.423A>T on transcript NM_004360.5 (MANE Select); coding-DNA position 423, A replaced by T.
Protein change: p.Thr141=; no amino-acid change (threonine 141 retained).
Molecular consequence: synonymous variant. On other transcripts: 5 prime UTR variant (2).
Genome position (GRCh38, 1-based): chr16:68,808,459, A>T. VCF-style: chr16-68808459-A-T. GRCh37 (hg19) VCF-style: chr16-68842362-A-T.
Other names: c.423A>T, p.Thr141= (NM_001317184.2); c.-1193A>T (NM_001317185.2); c.-1397A>T (NM_001317186.2).
Identifiers: ClinVar variation 2035515 (VCV002035515.6), dbSNP rs1597890499, ClinGen allele CA496392173.

ClinVar aggregate classification (germline): Benign/Likely benign. Review status: criteria provided, multiple submitters, no conflicts (2 of 4 stars). 3 submissions from 3 submitters: Benign (1); Likely benign (2). Last evaluated 2024-10-13.

Conditions:
Hereditary cancer-predisposing syndrome. Also called: Tumor predisposition; Hereditary neoplastic syndrome; Neoplastic Syndromes, Hereditary; Hereditary Cancer Syndrome. Identifiers: Orphanet 140162, MedGen C0027672, MeSH D009386, MONDO:0015356.
Hereditary diffuse gastric adenocarcinoma (HDGC). Also called: DIFFUSE GASTRIC AND LOBULAR BREAST CANCER SYNDROME. Identifiers: Orphanet 26106, MedGen C1708349, MONDO:0007648, OMIM 137215.

Submissions (3):

Ambry Genetics
Classification: Likely benign for Hereditary cancer-predisposing syndrome. Last evaluated: 2024-10-13. Review status: criteria provided, single submitter. Criteria: Ambry Variant Classification Scheme 2023. Collection method: clinical testing. Allele origin: germline.

Myriad Genetics, Inc.
Classification: Benign for Hereditary diffuse gastric adenocarcinoma. Last evaluated: 2024-09-12. Review status: criteria provided, single submitter. Criteria: Myriad Autosomal Dominant, Autosomal Recessive and X-Linked Classification Criteria (2023). Collection method: clinical testing. Allele origin: unknown.
Comment: This variant is considered benign. This variant is a silent/synonymous amino acid change and it is not expected to impact splicing.

Labcorp Genetics (formerly Invitae), Labcorp
Classification: Likely benign for Hereditary diffuse gastric adenocarcinoma. Last evaluated: 2022-10-14. Review status: criteria provided, single submitter. Criteria: Invitae Variant Classification Sherloc (09022015). Collection method: clinical testing. Allele origin: germline.